The following is an entry in ClinVar:

ClinVar aggregate classification (germline): Uncertain significance. Review status: criteria provided, multiple submitters, no conflicts (2 of 4 stars). 2 submissions from 2 submitters: Uncertain significance (2). Last evaluated 2025-08-01.

Conditions:
Long QT syndrome (LQTS). Identifiers: MedGen C0023976, MeSH D008133, MONDO:0002442. Disease mechanism: loss of function. Inheritance: Various modes of inheritance.

Submissions (2):

Labcorp Genetics (formerly Invitae), Labcorp
Classification: Uncertain significance for Long QT syndrome. Last evaluated: 2025-08-01. Review status: criteria provided, single submitter. Criteria: Invitae Variant Classification Sherloc (09022015). Collection method: clinical testing. Allele origin: germline.
Comment: This sequence change replaces isoleucine, which is neutral and non-polar, with phenylalanine, which is neutral and non-polar, at codon 375 of the KCNQ1 protein (p.Ile375Phe). This variant is not present in population databases (gnomAD no frequency). This variant has not been reported in the literature in individuals affected with KCNQ1-related conditions. ClinVar contains an entry for this variant (Variation ID: 200841). Invitae Evidence Modeling of protein sequence and biophysical properties (such as structural, functional, and spatial information, amino acid conservation, physicochemical variation, residue mobility, and thermodynamic stability) indicates that this missense variant is expected to disrupt KCNQ1 protein function with a positive predictive value of 95%. In summary, the available evidence is currently insufficient to determine the role of this variant in disease. Therefore, it has been classified as a Variant of Uncertain Significance.

GeneDx
Classification: Uncertain significance. Last evaluated: 2020-04-22. Review status: criteria provided, single submitter. Criteria: GeneDx Variant Classification Process June 2021. Collection method: clinical testing. Allele origin: germline. Affected: yes.
Comment: Has not been previously published as pathogenic or benign to our knowledge; Not observed in large population cohorts (Lek et al., 2016); In silico analysis supports that this missense variant has a deleterious effect on protein structure/function

NM_000218.3(KCNQ1):c.1123A>T (p.Ile375Phe)

Gene: KCNQ1 (potassium voltage-gated channel subfamily Q member 1; plus strand). Cytogenetic location: 11p15.5.
Variant type: single nucleotide variant.
Coding change: c.1123A>T on transcript NM_000218.3 (MANE Select); coding-DNA position 1123, A replaced by T.
Protein change: p.Ile375Phe; replaces isoleucine 375 with phenylalanine.
Molecular consequence: missense variant.
Genome position (GRCh38, 1-based): chr11:2,585,302, A>T. VCF-style: chr11-2585302-A-T. GRCh37 (hg19) VCF-style: chr11-2606532-A-T.
Other names: p.I375F:ATT>TTT; c.853A>T, p.Ile285Phe (NM_001406837.1); c.742A>T, p.Ile248Phe (NM_181798.2); short protein forms I248F, I375F, I285F.
Identifiers: ClinVar variation 200841 (VCV000200841.7), dbSNP rs794728526, ClinGen allele CA005336.